The following is an entry in ClinVar:

ClinVar aggregate classification (germline): Uncertain significance (1 of 4 stars; one submission).

Conditions:
Epidermolysis bullosa simplex 5B, with muscular dystrophy (EBS5B). Also called: EPIDERMOLYSIS BULLOSA SIMPLEX AND LIMB-GIRDLE MUSCULAR DYSTROPHY; Epidermolysis bullosa simplex with muscular dystrophy. Identifiers: Orphanet 257, MedGen C2931072, MONDO:0009181, OMIM 226670.
Epidermolysis bullosa simplex 5C, with pyloric atresia (EBS5C). Also called: Epidermolysis bullosa simplex with pyloric atresia; PLEC-Related Epidermolysis Bullosa with Pyloric Atresia; PLEC1-Related Epidermolysis Bullosa with Pyloric Atresia. Identifiers: Orphanet 158684, MedGen C2677349, MONDO:0012807, OMIM 612138.
Epidermolysis bullosa simplex with nail dystrophy (EBS5D). Identifiers: MedGen C4225309, MONDO:0014661, OMIM 616487.
Autosomal recessive limb-girdle muscular dystrophy type 2Q (LGMDR17). Also called: MUSCULAR DYSTROPHY, LIMB-GIRDLE, AUTOSOMAL RECESSIVE 17. Identifiers: Orphanet 254361, MedGen C3150989, MONDO:0013390, OMIM 613723.
Epidermolysis bullosa simplex, Ogna type (EBS5A). Also called: Pidermolysis bullosa simplex 5A, Ogna type; EPIDERMOLYSIS BULLOSA SIMPLEX 5A, OGNA TYPE. Identifiers: Orphanet 79401, MedGen C0432317, MONDO:0007555, OMIM 131950.

Submission:

Labcorp Genetics (formerly Invitae), Labcorp
Classification: Uncertain significance for Autosomal recessive limb-girdle muscular dystrophy type 2Q; Epidermolysis bullosa simplex, Ogna type; Epidermolysis bullosa simplex with nail dystrophy; Epidermolysis bullosa simplex 5C, with pyloric atresia; Epidermolysis bullosa simplex 5B, with muscular dystrophy. Last evaluated: 2022-07-06. Review status: criteria provided, single submitter. Criteria: Invitae Variant Classification Sherloc (09022015). Collection method: clinical testing. Allele origin: germline.
Comment: This variant is not present in population databases (gnomAD no frequency). This sequence change replaces threonine, which is neutral and polar, with serine, which is neutral and polar, at codon 653 of the PLEC protein (p.Thr653Ser). This variant has not been reported in the literature in individuals affected with PLEC-related conditions. In summary, the available evidence is currently insufficient to determine the role of this variant in disease. Therefore, it has been classified as a Variant of Uncertain Significance. Algorithms developed to predict the effect of sequence changes on RNA splicing suggest that this variant may create or strengthen a splice site. Algorithms developed to predict the effect of missense changes on protein structure and function are either unavailable or do not agree on the potential impact of this missense change (SIFT: "Deleterious"; PolyPhen-2: "Not Available"; Align-GVGD: "Class C55").

NM_201384.3(PLEC):c.1877C>G (p.Thr626Ser)

Gene: PLEC (plectin; minus strand). Cytogenetic location: 8q24.3.
Variant type: single nucleotide variant.
Coding change: c.1877C>G on transcript NM_201384.3 (MANE Select); coding-DNA position 1877, C replaced by G.
Protein change: p.Thr626Ser; replaces threonine 626 with serine.
Molecular consequence: missense variant.
Genome position (GRCh38, 1-based): chr8:143,932,500, G>C on the plus strand (C>G on the coding strand, the complement: PLEC is on the minus strand). VCF-style: chr8-143932500-G-C. GRCh37 (hg19) VCF-style: chr8-145006668-G-C.
Other names: c.1958C>G, p.Thr653Ser (NM_000445.5, NM_001410941.1); c.1835C>G, p.Thr612Ser (NM_201378.4); c.1811C>G, p.Thr604Ser (NM_201379.3); c.2288C>G, p.Thr763Ser (NM_201380.4); c.1781C>G, p.Thr594Ser (NM_201381.3); c.1877C>G, p.Thr626Ser (NM_201382.4); c.1889C>G, p.Thr630Ser (NM_201383.3); short protein forms T626S, T594S, T612S, T653S, T630S, T604S, T763S.
Identifiers: ClinVar variation 2073176 (VCV002073176.4), dbSNP rs1827643640, ClinGen allele CA372578407.
Genomic context (GRCh38, chr8:143,932,500, plus strand): 5'-TCGCTCCAGTCGAAGCCCACCTCCTCCTCCTCCTTCTCATTCAGCCACATTAGCTCCTTA[G>C]TGGCGGCTGCCACAAAGCTGTGCAAGCTCTCCAGGGACCTGAGGCGGGCCTTGGAGGAGT-3'
Protein context (NP_958786.1, residues 616-636): ESLHSFVAAA[Thr626Ser]KELMWLNEKE